The following is an entry in ClinVar:

ClinVar aggregate classification (germline): Uncertain significance (1 of 4 stars; one submission).

Submission:

Labcorp Genetics (formerly Invitae), Labcorp
Classification: Uncertain significance. Last evaluated: 2022-03-23. Review status: criteria provided, single submitter. Criteria: Invitae Variant Classification Sherloc (09022015). Collection method: clinical testing. Allele origin: germline.
Comment: In summary, the available evidence is currently insufficient to determine the role of this variant in disease. Therefore, it has been classified as a Variant of Uncertain Significance. Algorithms developed to predict the effect of missense changes on protein structure and function are either unavailable or do not agree on the potential impact of this missense change (SIFT: "Deleterious"; PolyPhen-2: "Possibly Damaging"; Align-GVGD: "Class C0"). This variant has not been reported in the literature in individuals affected with BCL11B-related conditions. This variant is not present in population databases (gnomAD no frequency). This sequence change replaces proline, which is neutral and non-polar, with glutamine, which is neutral and polar, at codon 675 of the BCL11B protein (p.Pro675Gln).

NM_138576.4(BCL11B):c.2024C>A (p.Pro675Gln)

Gene: BCL11B (BCL11 transcription factor B; minus strand). Cytogenetic location: 14q32.2.
Variant type: single nucleotide variant.
Coding change: c.2024C>A on transcript NM_138576.4 (MANE Select); coding-DNA position 2024, C replaced by A.
Protein change: p.Pro675Gln; replaces proline 675 with glutamine.
Molecular consequence: missense variant.
Genome position (GRCh38, 1-based): chr14:99,174,812, G>T on the plus strand (C>A on the coding strand, the complement: BCL11B is on the minus strand). VCF-style: chr14-99174812-G-T. GRCh37 (hg19) VCF-style: chr14-99641149-G-T.
Other names: c.2021C>A, p.Pro674Gln (NM_001282237.2); c.1808C>A, p.Pro603Gln (NM_001282238.2); c.1811C>A, p.Pro604Gln (NM_022898.3); short protein forms P604Q, P674Q, P675Q, P603Q.
Identifiers: ClinVar variation 2166392 (VCV002166392.4), dbSNP rs902748229, ClinGen allele CA390934118.